The following is an entry in ClinVar:

ClinVar aggregate classification (germline): Uncertain significance. Review status: criteria provided, multiple submitters, no conflicts (2 of 4 stars). 5 submissions from 5 submitters: Uncertain significance (5). Last evaluated 2024-08-22.

Allele frequency attached by ClinVar (database versions not stated): TOPMed 0.00001; gnomAD 0.00002; gnomAD exomes 0.00003 and 0.00004; ExAC 0.00012; 1000 Genomes Project 30x 0.00016; 1000 Genomes Project 0.00020.
gnomAD v4.1: 43 of 1,550,842 alleles (0.0028%); highest among the groups gnomAD compares: African/African-American, 0.02%; no homozygotes.

Submissions (5):

GeneDx
Classification: Uncertain significance. Last evaluated: 2024-08-22. Review status: criteria provided, single submitter. Criteria: GeneDx Variant Classification Process June 2021. Collection method: clinical testing. Allele origin: germline. Affected: yes.
Comment: In silico analysis supports that this missense variant has a deleterious effect on protein structure/function; Has not been previously published as pathogenic or benign to our knowledge

CeGaT Center for Human Genetics Tuebingen
Classification: Uncertain significance. Last evaluated: 2022-10-01. Review status: criteria provided, single submitter. Criteria: CeGaT Center For Human Genetics Tuebingen Variant Classification Criteria Version 2. Collection method: clinical testing. Allele origin: germline. Affected: yes. Observed: 1 variant allele.
Comment: OTOG: PM2

Labcorp Genetics (formerly Invitae), Labcorp
Classification: Uncertain significance. Last evaluated: 2022-07-18. Review status: criteria provided, single submitter. Criteria: Invitae Variant Classification Sherloc (09022015). Collection method: clinical testing. Allele origin: germline.
Comment: In summary, the available evidence is currently insufficient to determine the role of this variant in disease. Therefore, it has been classified as a Variant of Uncertain Significance. Algorithms developed to predict the effect of missense changes on protein structure and function are either unavailable or do not agree on the potential impact of this missense change (SIFT: "Deleterious"; PolyPhen-2: "Probably Damaging"; Align-GVGD: "Class C0"). ClinVar contains an entry for this variant (Variation ID: 235770). This variant has not been reported in the literature in individuals affected with OTOG-related conditions. This variant is present in population databases (rs185641221, gnomAD 0.03%). This sequence change replaces arginine, which is basic and polar, with cysteine, which is neutral and slightly polar, at codon 2897 of the OTOG protein (p.Arg2897Cys).

Laboratory for Molecular Medicine, Mass General Brigham Personalized Medicine
Classification: Uncertain significance. Last evaluated: 2020-01-16. Review status: criteria provided, single submitter. Criteria: LMM Criteria. Collection method: clinical testing. Allele origin: germline. Observed: 2 variant alleles.
Comment: This variant has been identified in 0.02% (5/16900) of Finnish chromosomes by gnomAD and has also been reported in ClinVar (Variation ID 235770). Computational prediction tools and conservation analysis suggest that the p.Arg2897Cys variant may impact the protein, though this information is not predictive enough to determine pathogenicity. In summary, the clinical significance of the p.Arg2897Cys variant is uncertain. ACMG/AMP Criteria applied: PP3, PM2_Supporting.

Center for Pediatric Genomic Medicine, Children's Mercy Hospital and Clinics
Classification: Uncertain significance. Last evaluated: 2016-05-12. Review status: criteria provided, single submitter. Criteria: ACMG Guidelines, 2015. Collection method: clinical testing. Allele origin: germline.
ClinVar note: Converted during submission from Uncertain Significance to Uncertain significance.

NM_001292063.2(OTOG):c.8653C>T (p.Arg2885Cys)

Gene: OTOG (otogelin; plus strand). Cytogenetic location: 11p15.1.
Variant type: single nucleotide variant.
Coding change: c.8653C>T on transcript NM_001292063.2 (MANE Select); coding-DNA position 8653, C replaced by T.
Protein change: p.Arg2885Cys; replaces arginine 2885 with cysteine.
Molecular consequence: missense variant.
Genome position (GRCh38, 1-based): chr11:17,645,855, C>T. VCF-style: chr11-17645855-C-T. GRCh37 (hg19) VCF-style: chr11-17667402-C-T.
Other names: c.8689C>T, p.Arg2897Cys (NM_001277269.2); short protein forms R2897C, R2885C.
Identifiers: ClinVar variation 235770 (VCV000235770.47), dbSNP rs185641221, ClinGen allele CA5906329.
Genomic context (GRCh38, chr11:17,645,855, plus strand): 5'-TACAACATCAACACCTATGCCCGATTCTGCAAGTGCTGCCGTGAGGTGGGCCTGCAGCGG[C>T]GCTCTGTGCAGCTCTTCTGTGCCACCAATGCCACCTGGGTGCCCTATACAGTGCAGGAGC-3'
Protein context (NP_001278992.1, residues 2875-2895): KCCREVGLQR[Arg2885Cys]SVQLFCATNA